The following is an entry in ClinVar:

ClinVar aggregate classification (germline): Uncertain significance. Review status: criteria provided, multiple submitters, no conflicts (2 of 4 stars). 2 submissions from 2 submitters: Uncertain significance (2). Last evaluated 2023-03-03.

Conditions:
Primary familial hypertrophic cardiomyopathy (HCM). Identifiers: Orphanet 99739, MedGen C0949658, MeSH D024741, MONDO:0024573. Inheritance: Various modes of inheritance.

Allele frequency attached by ClinVar (database versions not stated): gnomAD exomes below 0.00001; ExAC 0.00001; gnomAD 0.00001; 1000 Genomes Project 30x 0.00016; 1000 Genomes Project 0.00020.
gnomAD v4.1: 3 of 1,614,126 alleles (0.00019%); highest among the groups gnomAD compares: Non-Finnish European, 0.00025%; no homozygotes.

Submissions (2):

Labcorp Genetics (formerly Invitae), Labcorp
Classification: Uncertain significance for Primary familial hypertrophic cardiomyopathy. Last evaluated: 2023-03-03. Review status: criteria provided, single submitter. Criteria: Invitae Variant Classification Sherloc (09022015). Collection method: clinical testing. Allele origin: germline.
Comment: In summary, the available evidence is currently insufficient to determine the role of this variant in disease. Therefore, it has been classified as a Variant of Uncertain Significance. An algorithm developed to predict the effect of missense changes on protein structure and function (PolyPhen-2) suggests that this variant is likely to be tolerated. ClinVar contains an entry for this variant (Variation ID: 432620). This variant has not been reported in the literature in individuals affected with ILK-related conditions. This variant is present in population databases (rs201499797, gnomAD 0.0009%). This sequence change replaces valine, which is neutral and non-polar, with alanine, which is neutral and non-polar, at codon 49 of the ILK protein (p.Val49Ala).

GeneDx
Classification: Uncertain significance. Last evaluated: 2017-06-12. Review status: criteria provided, single submitter. Criteria: GeneDx Variant Classification (06012015). Collection method: clinical testing. Allele origin: germline. Affected: yes.
Comment: The V49A variant has notbeen published as pathogenic or been reported as benign to our knowledge. In addition, it is notobserved at a significant frequency in large population cohorts (Lek et al., 2016; 1000 GenomesConsortium et al., 2015; Exome Variant Server). Although the V49A variant is a conservative aminoacid substitution, which is not likely to impact secondary protein structure as these residues sharesimilar properties, this substitution does occur at a position that is conserved across species. Moreover,in silico analysis predicts this variant is probably damaging to the protein structure/function.Nonetheless, this variant lacks observation in a significant number of affected individuals, segregationdata, and functional evidence, which would further clarify its pathogenicity.

NM_004517.4(ILK):c.146T>C (p.Val49Ala)

Genes: TAF10 (TATA-box binding protein associated factor 10; minus strand), ILK (integrin linked kinase; plus strand). Cytogenetic location: 11p15.4.
Variant type: single nucleotide variant.
Coding change: c.146T>C on transcript NM_004517.4 (MANE Select); coding-DNA position 146, T replaced by C.
Protein change: p.Val49Ala; replaces valine 49 with alanine.
Molecular consequence: missense variant. On other transcripts: 3 prime UTR variant (1), intron variant (1).
Genome position (GRCh38, 1-based): chr11:6,608,102, T>C. VCF-style: chr11-6608102-T-C. GRCh37 (hg19) VCF-style: chr11-6629332-T-C.
Other names: c.146T>C, p.Val49Ala (NM_001014794.3, NM_001014795.3, NM_001278441.2); c.*2820A>G (NM_006284.4); c.-147-292T>C (NM_001278442.2); short protein forms V49A.
Identifiers: ClinVar variation 432620 (VCV000432620.5), dbSNP rs201499797, ClinGen allele CA5857956.